The following is an entry in ClinVar:

NM_001940.4(ATN1):c.1392C>T (p.Pro464=)

Gene: ATN1 (atrophin 1; plus strand). Cytogenetic location: 12p13.31.
Variant type: single nucleotide variant.
Coding change: c.1392C>T on transcript NM_001940.4 (MANE Select); coding-DNA position 1392, C replaced by T.
Protein change: p.Pro464=; no amino-acid change (proline 464 retained).
Molecular consequence: synonymous variant.
Genome position (GRCh38, 1-based): chr12:6,936,659, C>T. VCF-style: chr12-6936659-C-T. GRCh37 (hg19) VCF-style: chr12-7045822-C-T.
Other names: c.1392C>T, p.Pro464= (NM_001007026.2, NM_001424176.1, NM_001424177.1 and 2 more transcripts); c.1389C>T, p.Pro463= (NM_001424179.1, NM_001424180.1, NM_001424182.1); c.1392C>T (NM_001007026.1).
Identifiers: ClinVar variation 2642644 (VCV002642644.25), dbSNP rs143104309, ClinGen allele CA6420559.

ClinVar aggregate classification (germline): Likely benign. Review status: criteria provided, single submitter (1 of 4 stars). 2 submissions from 2 submitters: Likely benign (1). 1 of the submissions does not count toward it. Last evaluated 2022-05-01.

Conditions:
ATN1-related disorder. Also called: ATN1-related disorders; ATN1-related condition.

Allele frequency attached by ClinVar (database versions not stated): ExAC 0.00016; TOPMed 0.00024; gnomAD 0.00028; ESP Exome Variant Server 0.00054.
gnomAD v4.1: 445 of 1,613,764 alleles (0.028%); highest among the groups gnomAD compares: Non-Finnish European, 0.036%; 1 homozygote.

Submissions (2):

CeGaT Center for Human Genetics Tuebingen
Classification: Likely benign. Last evaluated: 2022-05-01. Review status: criteria provided, single submitter. Criteria: CeGaT Center For Human Genetics Tuebingen Variant Classification Criteria Version 2. Collection method: clinical testing. Allele origin: germline. Affected: yes. Observed: 1 variant allele.
Comment: ATN1: BP4, BP7

PreventionGenetics, part of Exact Sciences
Classification: Likely benign for ATN1-related condition. Last evaluated: 2019-04-11. Review status: no assertion criteria provided. Collection method: clinical testing. Allele origin: germline. Not counted in ClinVar's aggregate classification.
Comment: This variant is classified as likely benign based on ACMG/AMP sequence variant interpretation guidelines (Richards et al. 2015 PMID: 25741868, with internal and published modifications).